The following is an entry in ClinVar:

ClinVar aggregate classification (germline): Likely benign. Review status: criteria provided, multiple submitters, no conflicts (2 of 4 stars). 3 submissions from 3 submitters: Likely benign (2). 1 of the submissions does not count toward it. Last evaluated 2023-07-25.

Conditions:
RAI1-related disorder. Also called: RAI1-related condition.

Allele frequency attached by ClinVar (database versions not stated): gnomAD exomes below 0.00001 and 0.00001; TOPMed 0.00001; gnomAD 0.00003.
gnomAD v4.1: 12 of 1,611,316 alleles (0.00074%); highest among the groups gnomAD compares: Middle Eastern, 0.017%; no homozygotes.

Submissions (3):

Blueprint Genetics
Classification: Likely benign. Last evaluated: 2023-07-25. Review status: criteria provided, single submitter. Criteria: ACMG Guidelines, 2015. Collection method: clinical testing. Allele origin: germline.

Labcorp Genetics (formerly Invitae), Labcorp
Classification: Likely benign. Last evaluated: 2022-08-19. Review status: criteria provided, single submitter. Criteria: Invitae Variant Classification Sherloc (09022015). Collection method: clinical testing. Allele origin: germline.

PreventionGenetics, part of Exact Sciences
Classification: Likely benign for RAI1-related condition. Last evaluated: 2023-10-25. Review status: no assertion criteria provided. Collection method: clinical testing. Allele origin: germline. Not counted in ClinVar's aggregate classification.
Comment: This variant is classified as likely benign based on ACMG/AMP sequence variant interpretation guidelines (Richards et al. 2015 PMID: 25741868, with internal and published modifications).

NM_030665.4(RAI1):c.300C>T (p.Tyr100=)

Gene: RAI1 (retinoic acid induced 1; plus strand). Cytogenetic location: 17p11.2.
Variant type: single nucleotide variant.
Coding change: c.300C>T on transcript NM_030665.4 (MANE Select); coding-DNA position 300, C replaced by T.
Protein change: p.Tyr100=; no amino-acid change (tyrosine 100 retained).
Molecular consequence: synonymous variant.
Genome position (GRCh38, 1-based): chr17:17,793,248, C>T. VCF-style: chr17-17793248-C-T. GRCh37 (hg19) VCF-style: chr17-17696562-C-T.
Other names: c.300C>T (NM_030665.3).
Identifiers: ClinVar variation 1564332 (VCV001564332.11), dbSNP rs1489836583, ClinGen allele CA498422546.